The following is an entry in ClinVar:

NM_000051.4(ATM):c.8456T>G (p.Val2819Gly)

Genes: ATM (ATM serine/threonine kinase; plus strand), C11orf65 (chromosome 11 open reading frame 65; minus strand). Cytogenetic location: 11q22.3.
Variant type: single nucleotide variant.
Coding change: c.8456T>G on transcript NM_000051.4 (MANE Select); coding-DNA position 8456, T replaced by G.
Protein change: p.Val2819Gly; replaces valine 2819 with glycine.
Molecular consequence: missense variant. On other transcripts: intron variant (2).
Genome position (GRCh38, 1-based): chr11:108,345,780, T>G. VCF-style: chr11-108345780-T-G. GRCh37 (hg19) VCF-style: chr11-108216507-T-G.
Other names: c.8456T>G, p.Val2819Gly (NM_001351834.2); c.641-36709A>C (NM_001330368.2); c.695-10488A>C (NM_001351110.2); short protein forms V2819G.
Identifiers: ClinVar variation 581347 (VCV000581347.12), dbSNP rs1565563392, ClinGen allele CA382517927.

ClinVar aggregate classification (germline): Uncertain significance. Review status: criteria provided, multiple submitters, no conflicts (2 of 4 stars). 2 submissions from 2 submitters: Uncertain significance (2). Last evaluated 2025-05-05.

Conditions:
Hereditary cancer-predisposing syndrome. Also called: Hereditary Cancer Syndrome; Neoplastic Syndromes, Hereditary; Tumor predisposition; Hereditary neoplastic syndrome. Identifiers: Orphanet 140162, MedGen C0027672, MeSH D009386, MONDO:0015356.
Ataxia-telangiectasia syndrome (AT). Also called: Cerebello-oculocutaneous telangiectasia; Immunodeficiency with ataxia telangiectasia; Ataxia-telangiectasia, complementation group E; Ataxia-telangiectasia, complementation group D; AT, COMPLEMENTATION GROUP C; ATAXIA-TELANGIECTASIA, COMPLEMENTATION GROUP A. Identifiers: Orphanet 100, MedGen C0004135, MONDO:0008840, OMIM 208900.

Allele frequency attached by ClinVar (database versions not stated): gnomAD exomes below 0.00001.
gnomAD v4.1: 1 of 1,613,388 alleles (0.000062%); highest among the groups gnomAD compares: Non-Finnish European, 0.000085%; no homozygotes.

Submissions (2):

Labcorp Genetics (formerly Invitae), Labcorp
Classification: Uncertain significance for Ataxia-telangiectasia syndrome. Last evaluated: 2025-05-05. Review status: criteria provided, single submitter. Criteria: Invitae Variant Classification Sherloc (09022015). Collection method: clinical testing. Allele origin: germline.
Comment: This sequence change replaces valine, which is neutral and non-polar, with glycine, which is neutral and non-polar, at codon 2819 of the ATM protein (p.Val2819Gly). This variant is not present in population databases (gnomAD no frequency). This variant has not been reported in the literature in individuals affected with ATM-related conditions. ClinVar contains an entry for this variant (Variation ID: 581347). Invitae Evidence Modeling of protein sequence and biophysical properties (such as structural, functional, and spatial information, amino acid conservation, physicochemical variation, residue mobility, and thermodynamic stability) indicates that this missense variant is not expected to disrupt ATM protein function with a negative predictive value of 95%. In summary, the available evidence is currently insufficient to determine the role of this variant in disease. Therefore, it has been classified as a Variant of Uncertain Significance.

Ambry Genetics
Classification: Uncertain significance for Hereditary cancer-predisposing syndrome. Last evaluated: 2025-02-08. Review status: criteria provided, single submitter. Criteria: Ambry Variant Classification Scheme 2023. Collection method: clinical testing. Allele origin: germline.
Comment: The p.V2819G variant (also known as c.8456T>G), located in coding exon 57 of the ATM gene, results from a T to G substitution at nucleotide position 8456. The valine at codon 2819 is replaced by glycine, an amino acid with dissimilar properties. This amino acid position is conserved. In addition, this alteration is predicted to be tolerated by in silico analysis. Based on the available evidence, the clinical significance of this variant remains unclear.